The following is an entry in ClinVar:

ClinVar aggregate classification (germline): Uncertain significance. Review status: criteria provided, multiple submitters, no conflicts (2 of 4 stars). 6 submissions from 6 submitters: Uncertain significance (6). Last evaluated 2026-02-12.

Conditions:
Aortic aneurysm, familial thoracic 4 (AAT4). Also called: AORTIC ANEURYSM/AORTIC DISSECTION AND PATENT DUCTUS ARTERIOSUS. Identifiers: MedGen C1851504, MONDO:0007568, OMIM 132900.
Visceral myopathy 2. Identifiers: MedGen C5543466, MONDO:0859157, OMIM 619350.
Megacystis-microcolon-intestinal hypoperistalsis syndrome 2. Identifiers: MedGen C5543476, MONDO:0025708, OMIM 619351.
Familial thoracic aortic aneurysm and aortic dissection (TAAD). Also called: Thoracic aortic aneurysms and dissections. Identifiers: Orphanet 91387, MedGen C4707243, MONDO:0019625.

Allele frequency attached by ClinVar (database versions not stated): gnomAD exomes below 0.00001; TOPMed below 0.00001; gnomAD 0.00001.
gnomAD v4.1: 5 of 1,614,064 alleles (0.00031%); highest among the groups gnomAD compares: Admixed American, 0.0033%; no homozygotes.

Submissions (6):

Centro Nacional de Genética Medica, Administración Nacional de Laboratorios e Institutos de Salud (ANLIS) “Dr. Carlos G Malbrán”
Classification: Uncertain significance for Aortic aneurysm, familial thoracic 4. Last evaluated: 2026-02-12. Review status: criteria provided, single submitter. Criteria: ACMG Guidelines, 2015. Collection method: clinical testing. Allele origin: germline. Affected: yes. Observed: 1 variant allele.
Comment: This variant corresponds to a missense change that occurs in the coding sequence of exon 3/41 of the MYH11 gene, resulting in the substitution of the amino acid isoleucine (nonpolar, with a branched aliphatic chain) for phenylalanine (also nonpolar but with an aromatic side chain) at position 138. The variant is in the myosin head functional domain, also known as the myosin motor domain. Numerous reports exist of missense variants in this domain classified as pathogenic or likely pathogenic in patients with heart disease (PMID:22511748;37954829;28855619;22968129) (PM1). This variant is found at a very low frequency (0.0003098%) in population databases such as GnomAD, ExAc, and 1000 Genomes (PM2_Supporting). Most bioinformatics predictors classify the variant as deleterious, suggesting that the p.Ile138Phe amino acid change could affect protein activity (Revel: Deleterious Moderate 0.85, AlphaMissense: Deleterious Supporting 0.827, BayesDel: Deleterious Supporting 0.21) (PP3).

Ambry Genetics
Classification: Uncertain significance for Familial thoracic aortic aneurysm and aortic dissection. Last evaluated: 2025-11-13. Review status: criteria provided, single submitter. Criteria: Ambry Variant Classification Scheme 2023. Collection method: clinical testing. Allele origin: germline.
Comment: The p.I138F variant (also known as c.412A>T), located in coding exon 2 of the MYH11 gene, results from an A to T substitution at nucleotide position 412. The isoleucine at codon 138 is replaced by phenylalanine, an amino acid with highly similar properties. This amino acid position is highly conserved in available vertebrate species. In addition, this alteration is predicted to be deleterious by in silico analysis. Based on the available evidence, the clinical significance of this variant remains unclear.

Labcorp Genetics (formerly Invitae), Labcorp
Classification: Uncertain significance for Aortic aneurysm, familial thoracic 4. Last evaluated: 2024-02-02. Review status: criteria provided, single submitter. Criteria: Invitae Variant Classification Sherloc (09022015). Collection method: clinical testing. Allele origin: germline.
Comment: This sequence change replaces isoleucine, which is neutral and non-polar, with phenylalanine, which is neutral and non-polar, at codon 138 of the MYH11 protein (p.Ile138Phe). This variant is not present in population databases (gnomAD no frequency). This variant has not been reported in the literature in individuals affected with MYH11-related conditions. ClinVar contains an entry for this variant (Variation ID: 264360). Advanced modeling of protein sequence and biophysical properties (such as structural, functional, and spatial information, amino acid conservation, physicochemical variation, residue mobility, and thermodynamic stability) performed at Invitae indicates that this missense variant is not expected to disrupt MYH11 protein function with a negative predictive value of 95%. In summary, the available evidence is currently insufficient to determine the role of this variant in disease. Therefore, it has been classified as a Variant of Uncertain Significance.

All of Us Research Program, National Institutes of Health
Classification: Uncertain significance for Familial thoracic aortic aneurysm and aortic dissection. Last evaluated: 2023-12-13. Review status: criteria provided, single submitter. Criteria: ACMG Guidelines, 2015. Collection method: clinical testing. Allele origin: germline. Inheritance: Autosomal dominant inheritance. Observed: 3 variant alleles, 3 heterozygotes.
Comment: This missense variant replaces isoleucine with phenylalanine at codon 138 of the MYH11 protein. Computational prediction suggests that this variant may have deleterious impact on protein structure and function (internally defined REVEL score threshold >= 0.7, PMID: 27666373). To our knowledge, functional studies have not been reported for this variant. This variant has not been reported in individuals affected with MYH11-related disorders in the literature. This variant has not been identified in the general population by the Genome Aggregation Database (gnomAD). The available evidence is insufficient to determine the role of this variant in disease conclusively. Therefore, this variant is classified as a Variant of Uncertain Significance.

This study involves interpretation of variants in research participants for the purpose of population health screening. Participant phenotype was not available at the time of variant classification. Additional details can be found in publication PMID: 35346344, PMCID: PMC8962531

Color Diagnostics, LLC DBA Color Health
Classification: Uncertain significance for Familial thoracic aortic aneurysm and aortic dissection. Last evaluated: 2023-11-08. Review status: criteria provided, single submitter. Criteria: ACMG Guidelines, 2015. Collection method: clinical testing. Allele origin: germline.
Comment: This missense variant replaces isoleucine with phenylalanine at codon 138 of the MYH11 protein. Computational prediction suggests that this variant may have deleterious impact on protein structure and function. To our knowledge, functional studies have not been reported for this variant. This variant has not been reported in individuals affected with MYH11-related disorders in the literature. This variant has not been identified in the general population by the Genome Aggregation Database (gnomAD). The available evidence is insufficient to determine the role of this variant in disease conclusively. Therefore, this variant is classified as a Variant of Uncertain Significance.

Fulgent Genetics
Classification: Uncertain significance for Aortic aneurysm, familial thoracic 4; Visceral myopathy 2; Megacystis-microcolon-intestinal hypoperistalsis syndrome 2. Last evaluated: 2021-10-12. Review status: criteria provided, single submitter. Criteria: ACMG Guidelines, 2015. Collection method: clinical testing. Allele origin: unknown.

Literature cited by the submitters: PubMed 22511748 (cited by Centro Nacional de Genética Medica, Administración Nacional de Laboratorios e Institutos de Salud (ANLIS) “Dr. Carlos G Malbrán”); PubMed 37954829 (cited by Centro Nacional de Genética Medica, Administración Nacional de Laboratorios e Institutos de Salud (ANLIS) “Dr. Carlos G Malbrán”); PubMed 28855619 (cited by Centro Nacional de Genética Medica, Administración Nacional de Laboratorios e Institutos de Salud (ANLIS) “Dr. Carlos G Malbrán”); PubMed 22968129 (cited by Centro Nacional de Genética Medica, Administración Nacional de Laboratorios e Institutos de Salud (ANLIS) “Dr. Carlos G Malbrán”).

NM_002474.3(MYH11):c.412A>T (p.Ile138Phe)

Gene: MYH11 (myosin heavy chain 11; minus strand). Cytogenetic location: 16p13.11.
Variant type: single nucleotide variant.
Coding change: c.412A>T on transcript NM_002474.3 (MANE Select); coding-DNA position 412, A replaced by T.
Protein change: p.Ile138Phe; replaces isoleucine 138 with phenylalanine.
Molecular consequence: missense variant.
Genome position (GRCh38, 1-based): chr16:15,823,345, T>A on the plus strand (A>T on the coding strand, the complement: MYH11 is on the minus strand). VCF-style: chr16-15823345-T-A. GRCh37 (hg19) VCF-style: chr16-15917202-T-A.
Other names: c.412A>T, p.Ile138Phe (NM_001040113.2, NM_001040114.2, NM_022844.3); short protein forms I138F.
Identifiers: ClinVar variation 264360 (VCV000264360.18), dbSNP rs886039133, ClinGen allele CA10587900.